The following is an entry in ClinVar:

ClinVar aggregate classification (germline): Uncertain significance (1 of 4 stars; one submission).

Conditions:
Hereditary pheochromocytoma and paraganglioma. Also called: Hereditary paragangliomas and pheochromocytomas; Hereditary Paraganglioma-Pheochromocytoma Syndromes; Hereditary pheochromocytoma-paraganglioma. Identifiers: Orphanet 29072, MedGen C4274332, MONDO:0017366.

Submission:

Labcorp Genetics (formerly Invitae), Labcorp
Classification: Uncertain significance for Hereditary pheochromocytoma and paraganglioma. Last evaluated: 2024-03-03. Review status: criteria provided, single submitter. Criteria: Invitae Variant Classification Sherloc (09022015). Collection method: clinical testing. Allele origin: germline.
Comment: This sequence change replaces proline, which is neutral and non-polar, with threonine, which is neutral and polar, at codon 77 of the TMEM127 protein (p.Pro77Thr). This variant is not present in population databases (gnomAD no frequency). This variant has not been reported in the literature in individuals affected with TMEM127-related conditions. An algorithm developed to predict the effect of missense changes on protein structure and function (PolyPhen-2) suggests that this variant is likely to be tolerated. In summary, the available evidence is currently insufficient to determine the role of this variant in disease. Therefore, it has been classified as a Variant of Uncertain Significance.

NM_017849.4(TMEM127):c.229C>A (p.Pro77Thr)

Gene: TMEM127 (transmembrane protein 127; minus strand). Cytogenetic location: 2q11.2.
Variant type: single nucleotide variant.
Coding change: c.229C>A on transcript NM_017849.4 (MANE Select); coding-DNA position 229, C replaced by A.
Protein change: p.Pro77Thr; replaces proline 77 with threonine.
Molecular consequence: missense variant. On other transcripts: intron variant (1).
Genome position (GRCh38, 1-based): chr2:96,265,153, G>T on the plus strand (C>A on the coding strand, the complement: TMEM127 is on the minus strand). VCF-style: chr2-96265153-G-T. GRCh37 (hg19) VCF-style: chr2-96930891-G-T.
Other names: c.229C>A, p.Pro77Thr (NM_001193304.3); c.-9+716C>A (NM_001407283.1); short protein forms P77T.
Identifiers: ClinVar variation 3644250 (VCV003644250.2).